The following is an entry in ClinVar:

NM_001369369.1(FOXN1):c.1921A>G (p.Ser641Gly)

Gene: FOXN1 (forkhead box N1; plus strand). Cytogenetic location: 17q11.2.
Variant type: single nucleotide variant.
Coding change: c.1921A>G on transcript NM_001369369.1 (MANE Select); coding-DNA position 1921, A replaced by G.
Protein change: p.Ser641Gly; replaces serine 641 with glycine.
Molecular consequence: missense variant.
Genome position (GRCh38, 1-based): chr17:28,537,410, A>G. VCF-style: chr17-28537410-A-G. GRCh37 (hg19) VCF-style: chr17-26864428-A-G.
Other names: c.1921A>G, p.Ser641Gly (NM_003593.3); short protein forms S641G.
Identifiers: ClinVar variation 890587 (VCV000890587.11), dbSNP rs146028232, ClinGen allele CA8459661.

ClinVar aggregate classification (germline): Uncertain significance. Review status: criteria provided, multiple submitters, no conflicts (2 of 4 stars). 4 submissions from 4 submitters: Uncertain significance (4). Last evaluated 2025-06-07.

Conditions:
Inborn genetic diseases. Identifiers: MedGen C0950123, MeSH D030342.
FOXN1-related disorder. Also called: FOXN1-related condition.
T-cell immunodeficiency, congenital alopecia, and nail dystrophy. Also called: Congenital alopecia and nail dystrophy associated with severe functional T-cell immunodeficiency; Pignata Guarino syndrome. Identifiers: Orphanet 169095, MedGen C1866426, MONDO:0011132, OMIM 601705.

Allele frequency attached by ClinVar (database versions not stated): ExAC 0.00009; gnomAD exomes 0.00010 and 0.00006; gnomAD 0.00003 and 0.00004; TOPMed 0.00004; ESP Exome Variant Server 0.00008.
gnomAD v4.1: 150 of 1,612,934 alleles (0.0093%); highest among the groups gnomAD compares: Non-Finnish European, 0.012%; no homozygotes.

Submissions (4):

Ambry Genetics
Classification: Uncertain significance for Inborn genetic diseases. Last evaluated: 2025-06-07. Review status: criteria provided, single submitter. Criteria: Ambry Variant Classification Scheme 2023. Collection method: clinical testing. Allele origin: germline.

PreventionGenetics, part of Exact Sciences
Classification: Uncertain significance for FOXN1-related condition. Last evaluated: 2024-11-20. Review status: criteria provided, single submitter. Criteria: ACMG Guidelines, 2015. Collection method: clinical testing. Allele origin: germline.
Comment: The FOXN1 c.1921A>G variant is predicted to result in the amino acid substitution p.Ser641Gly. To our knowledge, this variant has not been reported in the literature. This variant is reported in 0.011% of alleles in individuals of European (Non-Finnish) descent in gnomAD. At this time, the clinical significance of this variant is uncertain due to the absence of conclusive functional and genetic evidence.

Labcorp Genetics (formerly Invitae), Labcorp
Classification: Uncertain significance for T-cell immunodeficiency, congenital alopecia, and nail dystrophy. Last evaluated: 2024-08-12. Review status: criteria provided, single submitter. Criteria: Invitae Variant Classification Sherloc (09022015). Collection method: clinical testing. Allele origin: germline.
Comment: This sequence change replaces serine, which is neutral and polar, with glycine, which is neutral and non-polar, at codon 641 of the FOXN1 protein (p.Ser641Gly). This variant is present in population databases (rs146028232, gnomAD 0.01%). This variant has not been reported in the literature in individuals affected with FOXN1-related conditions. ClinVar contains an entry for this variant (Variation ID: 890587). Advanced modeling of protein sequence and biophysical properties (such as structural, functional, and spatial information, amino acid conservation, physicochemical variation, residue mobility, and thermodynamic stability) performed at Invitae indicates that this missense variant is not expected to disrupt FOXN1 protein function with a negative predictive value of 80%. In summary, the available evidence is currently insufficient to determine the role of this variant in disease. Therefore, it has been classified as a Variant of Uncertain Significance.

Illumina Laboratory Services, Illumina
Classification: Uncertain significance for T-cell immunodeficiency, congenital alopecia, and nail dystrophy. Last evaluated: 2018-01-12. Review status: criteria provided, single submitter. Criteria: ICSL Variant Classification Criteria 13 December 2019. Collection method: clinical testing. Allele origin: germline.